The following is an entry in ClinVar:

ClinVar aggregate classification (germline): Uncertain significance. Review status: criteria provided, multiple submitters, no conflicts (2 of 4 stars). 2 submissions from 2 submitters: Uncertain significance (2). Last evaluated 2024-09-27.

Conditions:
Inborn genetic diseases. Identifiers: MedGen C0950123, MeSH D030342.

Allele frequency attached by ClinVar (database versions not stated): 1000 Genomes Project 30x 0.00031.
gnomAD v4.1: 84 of 1,613,466 alleles (0.0052%); highest among the groups gnomAD compares: African/African-American, 0.093%; no homozygotes.

Submissions (2):

Ambry Genetics
Classification: Uncertain significance for Inborn genetic diseases. Last evaluated: 2024-09-27. Review status: criteria provided, single submitter. Criteria: Ambry Variant Classification Scheme 2023. Collection method: clinical testing. Allele origin: germline.

CeGaT Center for Human Genetics Tuebingen
Classification: Uncertain significance. Last evaluated: 2024-06-01. Review status: criteria provided, single submitter. Criteria: CeGaT Center For Human Genetics Tuebingen Variant Classification Criteria Version 2. Collection method: clinical testing. Allele origin: germline. Affected: yes. Observed: 1 variant allele.
Comment: TRAK1: PM2

NM_001042646.3(TRAK1):c.1669A>G (p.Thr557Ala)

Gene: TRAK1 (trafficking kinesin protein 1; plus strand). Cytogenetic location: 3p22.1.
Variant type: single nucleotide variant.
Coding change: c.1669A>G on transcript NM_001042646.3 (MANE Select); coding-DNA position 1669, A replaced by G.
Protein change: p.Thr557Ala; replaces threonine 557 with alanine.
Molecular consequence: missense variant. On other transcripts: non-coding transcript variant (1).
Genome position (GRCh38, 1-based): chr3:42,202,677, A>G. VCF-style: chr3-42202677-A-G. GRCh37 (hg19) VCF-style: chr3-42244169-A-G.
Other names: c.1669A>G (NM_001042646.1); c.1669A>G, p.Thr557Ala (NM_001265608.2, NM_001349246.2, NM_001349247.2); c.1447A>G, p.Thr483Ala (NM_001265609.2, NM_001265610.1, NM_001349248.1 and 1 more transcripts); c.1357A>G, p.Thr453Ala (NM_001349245.1); c.1495A>G, p.Thr499Ala (NM_001410741.1, NM_014965.5); short protein forms T453A, T483A, T499A, T557A.
Identifiers: ClinVar variation 3250712 (VCV003250712.19), dbSNP rs116570962.
Genomic context (GRCh38, chr3:42,202,677, plus strand): 5'-TCCCTCACACCCACTGAGAGCATCATGTCCCTGGGCACGCACTCCCGCTTCTCCGAGTTC[A>G]CCGGCTTCTCTGGCATGTCCTTCAGCAGCCGCTCCTACCTGCCTGAGAAGCTCCAGATCG-3'
Protein context (NP_001036111.1, residues 547-567): LGTHSRFSEF[Thr557Ala]GFSGMSFSSR